The following is an entry in ClinVar:

NM_022124.6(CDH23):c.4522AAG[1] (p.Lys1509del)

Gene: CDH23 (cadherin related 23; plus strand). Cytogenetic location: 10q22.1.
Variant type: Microsatellite.
Coding change: c.4522AAG[1] on transcript NM_022124.6 (MANE Select); one copy of the 3-base unit AAG starting at c.4522; the reference has two copies in a row; one copy, 3 bases deleted.
Protein change: p.Lys1509del; deletes lysine 1509.
Molecular consequence: inframe deletion.
Genome position (GRCh38, 1-based): chr10:71,740,858-71,740,860, AAG deleted; deleting any 3 consecutive bases within chr10:71,740,854-71,740,860 gives the same sequence; the position shown is the placement nearest the transcript's 3' end. VCF-style (leftmost placement, unchanged base first): chr10-71740853-GGAA-G. GRCh37 (hg19) VCF-style: chr10-73500610-GGAA-G.
Other names: short protein forms K1509del.
Identifiers: ClinVar variation 2131990 (VCV002131990.4), dbSNP rs2494217716, ClinGen allele CA2580615506.

ClinVar aggregate classification (germline): Uncertain significance (1 of 4 stars; one submission).

Submission:

Labcorp Genetics (formerly Invitae), Labcorp
Classification: Uncertain significance. Last evaluated: 2023-07-17. Review status: criteria provided, single submitter. Criteria: Invitae Variant Classification Sherloc (09022015). Collection method: clinical testing. Allele origin: germline.
Comment: In summary, the available evidence is currently insufficient to determine the role of this variant in disease. Therefore, it has been classified as a Variant of Uncertain Significance. Experimental studies and prediction algorithms are not available or were not evaluated, and the functional significance of this variant is currently unknown. This variant has not been reported in the literature in individuals affected with CDH23-related conditions. This variant is not present in population databases (gnomAD no frequency). This variant, c.4525_4527del, results in the deletion of 1 amino acid(s) of the CDH23 protein (p.Lys1509del), but otherwise preserves the integrity of the reading frame.